The following is an entry in ClinVar:

NM_014727.3(KMT2B):c.1742C>T (p.Pro581Leu)

Gene: KMT2B (lysine methyltransferase 2B; plus strand). Cytogenetic location: 19q13.12.
Variant type: single nucleotide variant.
Coding change: c.1742C>T on transcript NM_014727.3 (MANE Select); coding-DNA position 1742, C replaced by T.
Protein change: p.Pro581Leu; replaces proline 581 with leucine.
Molecular consequence: missense variant.
Genome position (GRCh38, 1-based): chr19:35,721,089, C>T. VCF-style: chr19-35721089-C-T. GRCh37 (hg19) VCF-style: chr19-36211991-C-T.
Other names: short protein forms P581L.
Identifiers: ClinVar variation 3004482 (VCV003004482.3), dbSNP rs1969177950, ClinGen allele CA405393508.

ClinVar aggregate classification (germline): Uncertain significance (1 of 4 stars; one submission).

Allele frequency attached by ClinVar (database versions not stated): gnomAD 0.00001.
gnomAD v4.1: 17 of 1,611,316 alleles (0.0011%); highest among the groups gnomAD compares: Non-Finnish European, 0.0014%; no homozygotes.

Submission:

Labcorp Genetics (formerly Invitae), Labcorp
Classification: Uncertain significance. Last evaluated: 2023-12-06. Review status: criteria provided, single submitter. Criteria: Invitae Variant Classification Sherloc (09022015). Collection method: clinical testing. Allele origin: germline.
Comment: This sequence change replaces proline, which is neutral and non-polar, with leucine, which is neutral and non-polar, at codon 581 of the KMT2B protein (p.Pro581Leu). This variant is not present in population databases (gnomAD no frequency). This variant has not been reported in the literature in individuals affected with KMT2B-related conditions. Advanced modeling of protein sequence and biophysical properties (such as structural, functional, and spatial information, amino acid conservation, physicochemical variation, residue mobility, and thermodynamic stability) performed at Invitae indicates that this missense variant is not expected to disrupt KMT2B protein function with a negative predictive value of 95%. In summary, the available evidence is currently insufficient to determine the role of this variant in disease. Therefore, it has been classified as a Variant of Uncertain Significance.